The following is an entry in ClinVar:

NM_139058.3(ARX):c.457G>C (p.Ala153Pro)

Genes: ARX (aristaless related homeobox; minus strand), LOC109610631 (aristaless related homeobox polyalanine expansion region; plus strand). Cytogenetic location: Xp21.3.
Variant type: single nucleotide variant.
Coding change: c.457G>C on transcript NM_139058.3 (MANE Select); coding-DNA position 457, G replaced by C.
Protein change: p.Ala153Pro; replaces alanine 153 with proline.
Molecular consequence: missense variant.
Genome position (GRCh38, 1-based): chrX:25,013,538, C>G on the plus strand (G>C on the coding strand, the complement: ARX is on the minus strand). VCF-style: chrX-25013538-C-G. GRCh37 (hg19) VCF-style: chrX-25031655-C-G.
Other names: short protein forms A153P.
Identifiers: ClinVar variation 4885500 (VCV004885500.2).

ClinVar aggregate classification (germline): Uncertain significance (1 of 4 stars; one submission).

Submission:

Dasa
Classification: Uncertain significance. Last evaluated: 2025-08-28. Review status: criteria provided, single submitter. Criteria: DASA Assertion Criteria. Collection method: clinical testing. Allele origin: germline.
Comment: NM_139058.3(ARX):c.457G>C (p.Ala153Pro) is a missense variant that results in the substitution of alanine with proline. This variant is absent from population databases. The currently available literature and clinical evidence are not sufficient to establish a definitive association between this variant and the reported condition. Therefore, this variant is classified as a variant of uncertain significance.